The following is an entry in ClinVar:

NM_001244008.2(KIF1A):c.2345A>G (p.Lys782Arg)

Gene: KIF1A (kinesin family member 1A; minus strand). Cytogenetic location: 2q37.3.
Variant type: single nucleotide variant.
Coding change: c.2345A>G on transcript NM_001244008.2 (MANE Select); coding-DNA position 2345, A replaced by G.
Protein change: p.Lys782Arg; replaces lysine 782 with arginine.
Molecular consequence: missense variant.
Genome position (GRCh38, 1-based): chr2:240,760,764, T>C on the plus strand (A>G on the coding strand, the complement: KIF1A is on the minus strand). VCF-style: chr2-240760764-T-C. GRCh37 (hg19) VCF-style: chr2-241700181-T-C.
Other names: c.2345A>G, p.Lys782Arg (NM_001320705.2, NM_001330289.2, NM_001379638.1); c.2420A>G, p.Lys807Arg (NM_001330290.2, NM_001379631.1, NM_001379634.1 and 2 more transcripts); c.2318A>G, p.Lys773Arg (NM_001379632.1, NM_001379633.1, NM_001379636.1 and 11 more transcripts); c.2393A>G, p.Lys798Arg (NM_001379637.1, NM_001379648.1); short protein forms K773R, K782R, K798R, K807R.
Identifiers: ClinVar variation 1952632 (VCV001952632.5), dbSNP rs899129568, ClinGen allele CA68172053.
Genomic context (GRCh38, chr2:240,760,764, plus strand): 5'-TTCTGGTCCTGGACCTCCACGGCCACAATGGTGCGGGGGAAGGGCCGCGTCTCTCGGTCT[T>C]TGGCGGCCTCTGGGGGCAGCAGGTCGGGTGGCAGAGGGGAGTAGAGTGTGTCCGTCAGGA-3'
Protein context (NP_001230937.1, residues 772-792): PPDLLPPEAA[Lys782Arg]DRETRPFPRT

ClinVar aggregate classification (germline): Uncertain significance (1 of 4 stars; one submission).

Conditions:
Hereditary spastic paraplegia 30. Identifiers: Orphanet 101010, MedGen C5235139, MONDO:0012476.
Neuropathy, hereditary sensory, type 2C. Also called: Hereditary sensory and autonomic neuropathy type IIC; KIF1A-Related HSAN2 (HSAN2C). Identifiers: Orphanet 970, MedGen C3280168, MONDO:0013634, OMIM 614213.
Intellectual disability, autosomal dominant 9 (NESCAVS). Also called: NESCAV SYNDROME; KIF1A-Related Neurodevelopmental Disorder. Identifiers: Orphanet 662367, MedGen C5393830, MONDO:0013656, OMIM 614255.

Submission:

Labcorp Genetics (formerly Invitae), Labcorp
Classification: Uncertain significance for Hereditary spastic paraplegia 30; Neuropathy, hereditary sensory, type 2C; Intellectual disability, autosomal dominant 9. Last evaluated: 2022-08-16. Review status: criteria provided, single submitter. Criteria: Invitae Variant Classification Sherloc (09022015). Collection method: clinical testing. Allele origin: germline.
Comment: In summary, the available evidence is currently insufficient to determine the role of this variant in disease. Therefore, it has been classified as a Variant of Uncertain Significance. Advanced modeling of protein sequence and biophysical properties (such as structural, functional, and spatial information, amino acid conservation, physicochemical variation, residue mobility, and thermodynamic stability) performed at Invitae indicates that this missense variant is not expected to disrupt KIF1A protein function. This variant has not been reported in the literature in individuals affected with KIF1A-related conditions. This variant is not present in population databases (gnomAD no frequency). This sequence change replaces lysine, which is basic and polar, with arginine, which is basic and polar, at codon 773 of the KIF1A protein (p.Lys773Arg).